The following is an entry in ClinVar:

NM_004006.3(DMD):c.6677G>A (p.Trp2226Ter)

Gene: DMD (dystrophin; minus strand). Cytogenetic location: Xp21.1.
Variant type: single nucleotide variant.
Coding change: c.6677G>A on transcript NM_004006.3 (MANE Select); coding-DNA position 6677, G replaced by A.
Protein change: p.Trp2226Ter; replaces tryptophan 2226 with a stop codon.
Molecular consequence: nonsense. On other transcripts: 5 prime UTR variant (5).
Genome position (GRCh38, 1-based): chrX:31,932,165, C>T on the plus strand (G>A on the coding strand, the complement: DMD is on the minus strand). VCF-style: chrX-31932165-C-T. GRCh37 (hg19) VCF-style: chrX-31950282-C-T.
Other names: c.6653G>A, p.Trp2218Ter (NM_000109.4); c.6665G>A, p.Trp2222Ter (NM_004009.3); c.6308G>A, p.Trp2103Ter (NM_004010.3); c.2654G>A, p.Trp885Ter (NM_004011.4); c.2645G>A, p.Trp882Ter (NM_004012.4); c.-704G>A (NM_004013.3, NM_004020.4, NM_004021.3 and 2 more transcripts); short protein forms W2103*, W2218*, W2222*, W2226*, W882*, W885*.
Identifiers: ClinVar variation 1072046 (VCV001072046.9), dbSNP rs2150001671, ClinGen allele CA412658284.

ClinVar aggregate classification (germline): Pathogenic (1 of 4 stars; one submission).

Conditions:
Duchenne muscular dystrophy (DMD). Also called: MUSCULAR DYSTROPHY, PSEUDOHYPERTROPHIC PROGRESSIVE, DUCHENNE TYPE; Duchenne Muscular Dystrophy (DMD). Identifiers: Orphanet 98896, MedGen C0013264, MONDO:0010679, OMIM 310200.

Submission:

Labcorp Genetics (formerly Invitae), Labcorp
Classification: Pathogenic for Duchenne muscular dystrophy. Last evaluated: 2022-08-31. Review status: criteria provided, single submitter. Criteria: Invitae Variant Classification Sherloc (09022015). Collection method: clinical testing. Allele origin: germline.
Comment: This sequence change creates a premature translational stop signal (p.Trp2226*) in the DMD gene. It is expected to result in an absent or disrupted protein product. Loss-of-function variants in DMD are known to be pathogenic (PMID: 16770791, 25007885). This variant is not present in population databases (gnomAD no frequency). For these reasons, this variant has been classified as Pathogenic. Algorithms developed to predict the effect of sequence changes on RNA splicing suggest that this variant may create or strengthen a splice site. ClinVar contains an entry for this variant (Variation ID: 1072046). This premature translational stop signal has been observed in individual(s) with clinical features of DMD-related conditions (PMID: 21520333).

Literature cited by the submitters: PubMed 16770791; PubMed 25007885; PubMed 21520333.